The following is an entry in ClinVar:

NM_207037.2(TCF12):c.920dup (p.Tyr307Ter)

Gene: TCF12 (transcription factor 12; plus strand). Cytogenetic location: 15q21.3.
Variant type: Duplication.
Coding change: c.920dup on transcript NM_207037.2 (MANE Select); coding-DNA position 920, one base duplicated (A; older notation c.920dupA).
Protein change: p.Tyr307Ter; replaces tyrosine 307 with a stop codon.
Molecular consequence: nonsense.
Genome position (GRCh38, 1-based): chr15:57,232,806, A duplicated. VCF-style (leftmost placement, unchanged base first): chr15-57232805-T-TA. GRCh37 (hg19) VCF-style: chr15-57525003-T-TA.
Other names: c.410dup, p.Tyr137Ter (NM_001306219.3, NM_207040.2); c.212dup, p.Tyr71Ter (NM_001306220.3); c.920dup, p.Tyr307Ter (NM_001322151.2, NM_001322152.2, NM_001322157.3 and 7 more transcripts); c.263dup, p.Tyr88Ter (NM_001322154.2); c.746dup, p.Tyr249Ter (NM_001322156.2, NM_001322158.2); c.956dup, p.Tyr319Ter (NM_001322164.2); short protein forms Y137*, Y249*, Y307*, Y319*, Y71*, Y88*.
Identifiers: ClinVar variation 4850000 (VCV004850000.1).

ClinVar aggregate classification (germline): Pathogenic (1 of 4 stars; one submission).

Conditions:
TCF12-related craniosynostosis. Also called: Craniosynostosis 3. Identifiers: Orphanet 35098, Orphanet 35099, Orphanet 672979, MedGen C3715051, MONDO:0014128, OMIM 615314.

Submission:

Variantyx, Inc.
Classification: Pathogenic for TCF12-related craniosynostosis. Last evaluated: 2025-08-14. Review status: criteria provided, single submitter. Criteria: Variantyx Assertion Criteria 2022. Collection method: clinical testing. Allele origin: de novo. Inheritance: Autosomal dominant inheritance. Affected: yes.
Comment: This is a nonsense variant in the TCF12 gene (OMIM: 600480). Pathogenic variants in this gene have been associated with autosomal dominant craniosynostosis 3. This variant likely occurred de novo in individuals reported in the published literature, however, the possibility of parental germline mosaicism cannot be excluded (PMID: 32620954) (PS2_Moderate). The alteration introduces a premature termination codon in exon 4 out of 4 and is expected to result in loss of function, which is a known disease mechanism for TCF12 in this disorder (PMID: 23354436, 32620954) (PVS1). This variant is absent from control populations (PM2). Based on the current evidence, this variant is classified as pathogenic for autosomal dominant craniosynostosis 3. Inheritance from an unaffected or mildly affected parent has been reported, consistent with incomplete penetrance and variable expressivity (PMID: 23354436, 25271085, 33004838).

Literature cited by the submitters: PubMed 23354436; PubMed 32620954.